The following is an entry in ClinVar:

ClinVar aggregate classification (germline): Uncertain significance (1 of 4 stars; one submission).

Conditions:
Emery-Dreifuss muscular dystrophy 5, autosomal dominant (EDMD5). Also called: EMERY-DREIFUSS MUSCULAR DYSTROPHY 5. Identifiers: Orphanet 261, MedGen C2751805, MONDO:0013072, OMIM 612999.

Allele frequency attached by ClinVar (database versions not stated): gnomAD 0.00001; gnomAD exomes 0.00001; TOPMed 0.00002.
gnomAD v4.1: 23 of 1,613,892 alleles (0.0014%); highest among the groups gnomAD compares: Non-Finnish European, 0.0017%; no homozygotes.

Submission:

Labcorp Genetics (formerly Invitae), Labcorp
Classification: Uncertain significance for Emery-Dreifuss muscular dystrophy 5, autosomal dominant. Last evaluated: 2023-03-23. Review status: criteria provided, single submitter. Criteria: Invitae Variant Classification Sherloc (09022015). Collection method: clinical testing. Allele origin: germline.
Comment: In summary, the available evidence is currently insufficient to determine the role of this variant in disease. Therefore, it has been classified as a Variant of Uncertain Significance. Variants that disrupt the consensus splice site are a relatively common cause of aberrant splicing (PMID: 17576681, 9536098). Algorithms developed to predict the effect of sequence changes on RNA splicing suggest that this variant may create or strengthen a splice site. This variant has not been reported in the literature in individuals affected with SYNE2-related conditions. This variant is not present in population databases (gnomAD no frequency). This sequence change falls in intron 52 of the SYNE2 gene. It does not directly change the encoded amino acid sequence of the SYNE2 protein. It affects a nucleotide within the consensus splice site.

Literature cited by the submitters: PubMed 17576681; PubMed 9536098.

NM_182914.3(SYNE2):c.10697+6A>G

Gene: SYNE2 (spectrin repeat containing nuclear envelope protein 2; plus strand). Cytogenetic location: 14q23.2.
Variant type: single nucleotide variant.
Coding change: c.10697+6A>G on transcript NM_182914.3 (MANE Select); 6 bases into the intron after coding-DNA position 10697, A replaced by G.
Molecular consequence: intron variant.
Genome position (GRCh38, 1-based): chr14:64,070,916, A>G. VCF-style: chr14-64070916-A-G. GRCh37 (hg19) VCF-style: chr14-64537634-A-G.
Other names: c.10697+6A>G (NM_015180.6).
Identifiers: ClinVar variation 2761137 (VCV002761137.3), dbSNP rs1321335164, ClinGen allele CA707672511.